The following is an entry in ClinVar:

NM_000397.4(CYBB):c.484-60TG[25]

Gene: CYBB (cytochrome b-245 beta chain; plus strand). Cytogenetic location: Xp21.1.
Variant type: Microsatellite.
Coding change: c.484-60TG[25] on transcript NM_000397.4 (MANE Select); 25 copies in a row of the 2-base unit TG starting at c.484-60.
Molecular consequence: intron variant.
Genome position: GRCh38 VCF-style: chrX-37795890-A-ATGTG. GRCh37 (hg19) VCF-style: chrX-37655143-A-ATGTG.
Other names: c.484-17_484-14dupGTGT (NM_000397.4).
Identifiers: ClinVar variation 1244721 (VCV001244721.3), dbSNP rs57325016, ClinGen allele CA641363611.

ClinVar aggregate classification (germline): Benign/Likely benign. Review status: criteria provided, multiple submitters, no conflicts (2 of 4 stars). 2 submissions from 2 submitters: Benign (1); Likely benign (1). Last evaluated 2026-01-22.

Submissions (2):

Women's Health and Genetics/Laboratory Corporation of America, LabCorp
Classification: Likely benign. Last evaluated: 2026-01-22. Review status: criteria provided, single submitter. Criteria: LabCorp Variant Classification Summary - May 2015. Collection method: clinical testing. Allele origin: germline.
Comment: Variant summary: CYBB c.484-17_484-14dupGTGT alters a nucleotide located at a position not widely known to affect splicing. Consensus agreement among computation tools predict no significant impact on normal splicing. However, these predictions have yet to be confirmed by functional studies. The variant allele was found at a frequency of 0.071 in 15161 control chromosomes, predominantly at a frequency of 0.1 within the Finnish subpopulation in the gnomAD database, including 6 homozygotes. The available data on variant occurrences in the general population are insufficient to allow any conclusion about variant significance. To our knowledge, no occurrence of c.484-17_484-14dupGTGT in individuals affected with CYBB-related conditions and no experimental evidence demonstrating its impact on protein function have been reported. ClinVar contains an entry for this variant (Variation ID: 1244721). Based on the evidence outlined above, the variant was classified as likely benign.

GeneDx
Classification: Benign. Last evaluated: 2019-08-24. Review status: criteria provided, single submitter. Criteria: GeneDx Variant Classification Process June 2021. Collection method: clinical testing. Allele origin: germline. Affected: yes.